The following is an entry in ClinVar:

ClinVar aggregate classification (germline): Likely benign (1 of 4 stars; one submission).

Submission:

CeGaT Center for Human Genetics Tuebingen
Classification: Likely benign. Last evaluated: 2024-10-01. Review status: criteria provided, single submitter. Criteria: CeGaT Center For Human Genetics Tuebingen Variant Classification Criteria Version 2. Collection method: clinical testing. Allele origin: germline. Affected: yes. Observed: 1 variant allele.
Comment: WDR90: BP4, BP7

NM_145294.5(WDR90):c.1605C>T (p.Gly535=)

Gene: WDR90 (WD repeat domain 90; plus strand). Cytogenetic location: 16p13.3.
Variant type: single nucleotide variant.
Coding change: c.1605C>T on transcript NM_145294.5 (MANE Select); coding-DNA position 1605, C replaced by T.
Protein change: p.Gly535=; no amino-acid change (glycine 535 retained).
Molecular consequence: synonymous variant.
Genome position (GRCh38, 1-based): chr16:655,355, C>T. VCF-style: chr16-655355-C-T. GRCh37 (hg19) VCF-style: chr16-705355-C-T.
Identifiers: ClinVar variation 3388435 (VCV003388435.14).
Genomic context (GRCh38, chr16:655,355, plus strand): 5'-CATTCCTTGCAGGATGGCGTCGTGCGGGCAGGGCAGTGTGCGGCTCTGGCGGCTGCGTGG[C>T]GGGGTGCTGCGTTCCTGCCCCGTGGACTTAGGGGAGCACCACGCGCTGCAGTTCACCGAC-3'
Protein context (NP_660337.3, residues 525-545): QGSVRLWRLR[Gly535=]GVLRSCPVDL